The following is an entry in ClinVar:

ClinVar aggregate classification (germline): Uncertain significance. Review status: criteria provided, multiple submitters, no conflicts (2 of 4 stars). 2 submissions from 2 submitters: Uncertain significance (2). Last evaluated 2025-08-12.

Conditions:
Spastic paraplegia. Identifiers: MedGen C0037772, HP:0001258.
Inborn genetic diseases. Identifiers: MedGen C0950123, MeSH D030342.

Allele frequency attached by ClinVar (database versions not stated): gnomAD 0.00001.
gnomAD v4.1: 4 of 1,613,788 alleles (0.00025%); highest among the groups gnomAD compares: East Asian, 0.0022%; no homozygotes.

Submissions (2):

Ambry Genetics
Classification: Uncertain significance for Inborn genetic diseases. Last evaluated: 2025-08-12. Review status: criteria provided, single submitter. Criteria: Ambry Variant Classification Scheme 2023. Collection method: clinical testing. Allele origin: germline.

Labcorp Genetics (formerly Invitae), Labcorp
Classification: Uncertain significance for Spastic paraplegia. Last evaluated: 2022-04-30. Review status: criteria provided, single submitter. Criteria: Invitae Variant Classification Sherloc (09022015). Collection method: clinical testing. Allele origin: germline.
Comment: This sequence change replaces arginine, which is basic and polar, with glutamine, which is neutral and polar, at codon 4078 of the SACS protein (p.Arg4078Gln). This variant is not present in population databases (gnomAD no frequency). This variant has not been reported in the literature in individuals affected with SACS-related conditions. Advanced modeling of protein sequence and biophysical properties (such as structural, functional, and spatial information, amino acid conservation, physicochemical variation, residue mobility, and thermodynamic stability) performed at Invitae indicates that this missense variant is not expected to disrupt SACS protein function. In summary, the available evidence is currently insufficient to determine the role of this variant in disease. Therefore, it has been classified as a Variant of Uncertain Significance.

NM_014363.6(SACS):c.12233G>A (p.Arg4078Gln)

Gene: SACS (sacsin molecular chaperone; minus strand). Cytogenetic location: 13q12.12.
Variant type: single nucleotide variant.
Coding change: c.12233G>A on transcript NM_014363.6 (MANE Select); coding-DNA position 12233, G replaced by A.
Protein change: p.Arg4078Gln; replaces arginine 4078 with glutamine.
Molecular consequence: missense variant.
Genome position (GRCh38, 1-based): chr13:23,331,643, C>T on the plus strand (G>A on the coding strand, the complement: SACS is on the minus strand). VCF-style: chr13-23331643-C-T. GRCh37 (hg19) VCF-style: chr13-23905782-C-T.
Other names: c.12233G>A (NM_014363.4); c.11792G>A, p.Arg3931Gln (NM_001278055.2); short protein forms R4078Q, R3931Q.
Identifiers: ClinVar variation 2201109 (VCV002201109.2), dbSNP rs757768668, ClinGen allele CA387508202.